The following is an entry in ClinVar:

ClinVar aggregate classification (germline): Uncertain significance (1 of 4 stars; one submission).

Conditions:
Hereditary cancer-predisposing syndrome. Also called: Neoplastic Syndromes, Hereditary; Tumor predisposition; Hereditary Cancer Syndrome; Hereditary neoplastic syndrome. Identifiers: Orphanet 140162, MedGen C0027672, MeSH D009386, MONDO:0015356.

Submission:

Ambry Genetics
Classification: Uncertain significance for Hereditary cancer-predisposing syndrome. Last evaluated: 2025-11-16. Review status: criteria provided, single submitter. Criteria: Ambry Variant Classification Scheme 2023. Collection method: clinical testing. Allele origin: germline.
Comment: The p.D1566V variant (also known as c.4697A>T), located in coding exon 15 of the APC gene, results from an A to T substitution at nucleotide position 4697. The aspartic acid at codon 1566 is replaced by valine, an amino acid with highly dissimilar properties. This amino acid position is conserved. In addition, in silico predictors for this gene do not accurately predict pathogenicity. Based on the available evidence, the clinical significance of this variant remains unclear.

NM_000038.6(APC):c.4697A>T (p.Asp1566Val)

Gene: APC (APC regulator of Wnt signaling pathway; plus strand). Cytogenetic location: 5q22.2.
Variant type: single nucleotide variant.
Coding change: c.4697A>T on transcript NM_000038.6 (MANE Select); coding-DNA position 4697, A replaced by T.
Protein change: p.Asp1566Val; replaces aspartic acid 1566 with valine.
Molecular consequence: missense variant. On other transcripts: non-coding transcript variant (2).
Genome position (GRCh38, 1-based): chr5:112,840,291, A>T. VCF-style: chr5-112840291-A-T. GRCh37 (hg19) VCF-style: chr5-112175988-A-T.
Other names: c.4697A>T, p.Asp1566Val (NM_001127510.3, NM_001354895.2, NM_001407450.1); c.4643A>T, p.Asp1548Val (NM_001127511.3); c.4751A>T, p.Asp1584Val (NM_001354896.2, NM_001407447.1, NM_001407448.1 and 1 more transcripts); c.4727A>T, p.Asp1576Val (NM_001354897.2); c.4622A>T, p.Asp1541Val (NM_001354898.2); c.4613A>T, p.Asp1538Val (NM_001354899.2); c.4574A>T, p.Asp1525Val (NM_001354900.2); c.4520A>T, p.Asp1507Val (NM_001354901.2, NM_001407453.1); and 11 more; short protein forms D1465V, D1507V, D1541V, D1548V, D1566V, D1406V, D1437V, D1475V.
Identifiers: ClinVar variation 4590509 (VCV004590509.1).